The following is an entry in ClinVar:

ClinVar aggregate classification (germline): Uncertain significance. Review status: criteria provided, multiple submitters, no conflicts (2 of 4 stars). 3 submissions from 3 submitters: Uncertain significance (3). Last evaluated 2025-05-18.

Conditions:
Inborn genetic diseases. Identifiers: MedGen C0950123, MeSH D030342.

Allele frequency attached by ClinVar (database versions not stated): TOPMed 0.00003; gnomAD 0.00004; gnomAD exomes 0.00004; ExAC 0.00008; ESP Exome Variant Server 0.00008.
gnomAD v4.1: 64 of 1,614,072 alleles (0.004%); highest among the groups gnomAD compares: Non-Finnish European, 0.0049%; no homozygotes.

Submissions (3):

Ambry Genetics
Classification: Uncertain significance for Inborn genetic diseases. Last evaluated: 2025-05-18. Review status: criteria provided, single submitter. Criteria: Ambry Variant Classification Scheme 2023. Collection method: clinical testing. Allele origin: germline.

Blueprint Genetics
Classification: Uncertain significance. Last evaluated: 2023-03-13. Review status: criteria provided, single submitter. Criteria: ACMG Guidelines, 2015. Collection method: clinical testing. Allele origin: germline.

Labcorp Genetics (formerly Invitae), Labcorp
Classification: Uncertain significance. Last evaluated: 2022-05-12. Review status: criteria provided, single submitter. Criteria: Invitae Variant Classification Sherloc (09022015). Collection method: clinical testing. Allele origin: germline.
Comment: This sequence change replaces valine, which is neutral and non-polar, with alanine, which is neutral and non-polar, at codon 539 of the CNGA3 protein (p.Val539Ala). This variant is present in population databases (rs146200757, gnomAD 0.01%). This variant has not been reported in the literature in individuals affected with CNGA3-related conditions. Advanced modeling of protein sequence and biophysical properties (such as structural, functional, and spatial information, amino acid conservation, physicochemical variation, residue mobility, and thermodynamic stability) performed at Invitae indicates that this missense variant is not expected to disrupt CNGA3 protein function. In summary, the available evidence is currently insufficient to determine the role of this variant in disease. Therefore, it has been classified as a Variant of Uncertain Significance.

NM_001298.3(CNGA3):c.1616T>C (p.Val539Ala)

Gene: CNGA3 (cyclic nucleotide gated channel subunit alpha 3; plus strand). Cytogenetic location: 2q11.2.
Variant type: single nucleotide variant.
Coding change: c.1616T>C on transcript NM_001298.3 (MANE Select); coding-DNA position 1616, T replaced by C.
Protein change: p.Val539Ala; replaces valine 539 with alanine.
Molecular consequence: missense variant.
Genome position (GRCh38, 1-based): chr2:98,396,786, T>C. VCF-style: chr2-98396786-T-C. GRCh37 (hg19) VCF-style: chr2-99013249-T-C.
Other names: c.1616T>C (NM_001298.2); c.1562T>C, p.Val521Ala (NM_001079878.2); short protein forms V521A, V539A.
Identifiers: ClinVar variation 2165007 (VCV002165007.6), dbSNP rs146200757, ClinGen allele CA1794050.
Genomic context (GRCh38, chr2:98,396,786, plus strand): 5'-TGTACATCATCAACGAGGGCAAGCTGGCCGTGGTGGCTGATGATGGGGTCACCCAGTTCG[T>C]GGTCCTCAGCGATGGCAGCTACTTCGGGGAGATCAGCATTCTGAACATCAAGGGGAGCAA-3'
Protein context (NP_001289.1, residues 529-549): VVADDGVTQF[Val539Ala]VLSDGSYFGE